The following is an entry in ClinVar:

NM_032638.5(GATA2):c.1021_1031del (p.Ala341fs)

Gene: GATA2 (GATA binding protein 2; minus strand). Cytogenetic location: 3q21.3.
Variant type: Deletion.
Coding change: c.1021_1031del on transcript NM_032638.5 (MANE Select); coding-DNA positions 1021 to 1031, 11 bases deleted (GCCGCCAGAAG).
Protein change: p.Ala341fs; shifts the reading frame from alanine 341.
Molecular consequence: frameshift variant. On other transcripts: intron variant (1).
Genome position (GRCh38, 1-based): chr3:128,481,931-128,481,941, CTTCTGGCGGC deleted on the plus strand (GCCGCCAGAAG on the coding strand, the reverse complement: GATA2 is on the minus strand); deleting any 11 consecutive bases within chr3:128,481,931-128,481,942 gives the same sequence; the c. name uses the placement nearest the transcript's 3' end. VCF-style (leftmost placement, unchanged base first): chr3-128481930-TCTTCTGGCGGC-T. GRCh37 (hg19) VCF-style: chr3-128200773-TCTTCTGGCGGC-T.
Other names: c.1021_1031del, p.Ala341fs (NM_001145661.2); c.1018-39_1018-29del (NM_001145662.1); short protein forms A341fs.
Identifiers: ClinVar variation 1184188 (VCV001184188.1), dbSNP rs2107668805, ClinGen allele CA2499216442.

ClinVar aggregate classification (germline): Pathogenic (1 of 4 stars; one submission).

Conditions:
Deafness-lymphedema-leukemia syndrome. Also called: Emberger syndrome; Lymphedema, primary, with myelodysplasia. Identifiers: Orphanet 3226, MedGen C3279664, MONDO:0013540, OMIM 614038.
GATA2 deficiency with susceptibility to MDS/AML. Identifiers: MedGen CN300066, MONDO:0042982.

Submission:

Molecular Pathology Research Laboratory, SA Pathology
Classification: Pathogenic for GATA2 deficiency with susceptibility to MDS/AML; Deafness-lymphedema-leukemia syndrome. Last evaluated: 2021-07-06. Review status: criteria provided, single submitter. Criteria: ACMG Guidelines, 2015. Collection method: curation. Allele origin: germline. Inheritance: Autosomal dominant inheritance. Affected: yes. Observed: 3 variant alleles. Clinical features observed: Myelodysplasia, Acute Myeloid Leukemia, Immunodeficiency.
Comment: PVS1, PS4_Moderate, PM2

Literature cited by the submitters: PubMed 33957466.